The following is an entry in ClinVar:

NM_004484.4(GPC3):c.1696A>G (p.Thr566Ala)

Gene: GPC3 (glypican 3; minus strand). Cytogenetic location: Xq26.2.
Variant type: single nucleotide variant.
Coding change: c.1696A>G on transcript NM_004484.4 (MANE Select); coding-DNA position 1696, A replaced by G.
Protein change: p.Thr566Ala; replaces threonine 566 with alanine.
Molecular consequence: missense variant.
Genome position (GRCh38, 1-based): chrX:133,536,171, T>C on the plus strand (A>G on the coding strand, the complement: GPC3 is on the minus strand). VCF-style: chrX-133536171-T-C. GRCh37 (hg19) VCF-style: chrX-132670199-T-C.
Other names: c.1765A>G, p.Thr589Ala (NM_001164617.2); c.1648A>G, p.Thr550Ala (NM_001164618.2); c.1534A>G, p.Thr512Ala (NM_001164619.2); short protein forms T550A, T589A, T566A, T512A.
Identifiers: ClinVar variation 858695 (VCV000858695.10), dbSNP rs2069287938, ClinGen allele CA414702510.

ClinVar aggregate classification (germline): Uncertain significance (1 of 4 stars; one submission).

Conditions:
Wilms tumor 1 (WT1). Also called: Wilms tumor, somatic. Identifiers: Orphanet 654, MedGen CN033288, MONDO:0008679, OMIM 194070.

Submission:

Labcorp Genetics (formerly Invitae), Labcorp
Classification: Uncertain significance for Wilms tumor 1. Last evaluated: 2025-11-10. Review status: criteria provided, single submitter. Criteria: Invitae Variant Classification Sherloc (09022015). Collection method: clinical testing. Allele origin: germline.
Comment: This sequence change replaces threonine, which is neutral and polar, with alanine, which is neutral and non-polar, at codon 566 of the GPC3 protein (p.Thr566Ala). This variant is not present in population databases (gnomAD no frequency). This variant has not been reported in the literature in individuals affected with GPC3-related conditions. ClinVar contains an entry for this variant (Variation ID: 858695). An algorithm developed to predict the effect of missense changes on protein structure and function outputs the following: PolyPhen-2: "Benign". The alanine amino acid residue is found in multiple mammalian species, which suggests that this missense change does not adversely affect protein function. In summary, the available evidence is currently insufficient to determine the role of this variant in disease. Therefore, it has been classified as a Variant of Uncertain Significance.